The following is an entry in ClinVar:

NM_003859.3(DPM1):c.527_533del (p.Leu176fs)

Genes: ADNP-AS1 (ADNP antisense RNA 1; plus strand), DPM1 (dolichyl-phosphate mannosyltransferase subunit 1, catalytic; minus strand). Cytogenetic location: 20q13.13.
Variant type: Deletion.
Coding change: c.527_533del on transcript NM_003859.3 (MANE Select); coding-DNA positions 527 to 533, 7 bases deleted (TGAGACC; older notation c.527_533delTGAGACC).
Protein change: p.Leu176fs; shifts the reading frame from leucine 176.
Molecular consequence: frameshift variant. On other transcripts: non-coding transcript variant (1), intron variant (1).
Genome position (GRCh38, 1-based): chr20:50,940,895-50,940,901, GGTCTCA deleted on the plus strand (TGAGACC on the coding strand, the reverse complement: DPM1 is on the minus strand); deleting any 7 consecutive bases within chr20:50,940,895-50,940,902 gives the same sequence; the c. name uses the placement nearest the transcript's 3' end. VCF-style (leftmost placement, unchanged base first): chr20-50940894-TGGTCTCA-T. GRCh37 (hg19) VCF-style: chr20-49557431-TGGTCTCA-T.
Other names: c.632_638del, p.Leu211fs (NM_001317034.1); c.608_614del, p.Leu203fs (NM_001317035.1); c.494+1130_494+1136del (NM_001317036.1); short protein forms L176fs, L211fs, L203fs.
Identifiers: ClinVar variation 1998916 (VCV001998916.4), dbSNP rs2515710056, ClinGen allele CA2580098284.

ClinVar aggregate classification (germline): Pathogenic (1 of 4 stars; one submission).

Conditions:
Congenital disorder of glycosylation type 1E (CDG1E). Also called: CDG Ie; CONGENITAL DISORDER OF GLYCOSYLATION, TYPE Ie. Identifiers: Orphanet 79322, MedGen C1837396, MONDO:0012123, OMIM 608799.

Submission:

Labcorp Genetics (formerly Invitae), Labcorp
Classification: Pathogenic for Congenital disorder of glycosylation type 1E. Last evaluated: 2022-05-31. Review status: criteria provided, single submitter. Criteria: Invitae Variant Classification Sherloc (09022015). Collection method: clinical testing. Allele origin: germline.
Comment: For these reasons, this variant has been classified as Pathogenic. Algorithms developed to predict the effect of sequence changes on RNA splicing suggest that this variant may disrupt the consensus splice site. This sequence change creates a premature translational stop signal (p.Leu176Glnfs*6) in the DPM1 gene. It is expected to result in an absent or disrupted protein product. Loss-of-function variants in DPM1 are known to be pathogenic (PMID: 10642597, 10642602). This variant is not present in population databases (gnomAD no frequency). This variant has not been reported in the literature in individuals affected with DPM1-related conditions.

Literature cited by the submitters: PubMed 10642597; PubMed 10642602.